The following is an entry in ClinVar:

ClinVar aggregate classification (germline): Uncertain significance (1 of 4 stars; one submission).

Conditions:
Gastrointestinal stromal tumor. Also called: Gastrointestinal stromal tumor, somatic; Gastrointestinal stroma tumor. Identifiers: Orphanet 44890, MedGen C0238198, MeSH D046152, MONDO:0011719, OMIM 606764, HP:0100723.

Submission:

Labcorp Genetics (formerly Invitae), Labcorp
Classification: Uncertain significance for Gastrointestinal stromal tumor. Last evaluated: 2025-07-22. Review status: criteria provided, single submitter. Criteria: Invitae Variant Classification Sherloc (09022015). Collection method: clinical testing. Allele origin: germline.
Comment: This sequence change replaces lysine, which is basic and polar, with threonine, which is neutral and polar, at codon 602 of the KIT protein (p.Lys602Thr). This variant is not present in population databases (gnomAD no frequency). This variant has not been reported in the literature in individuals affected with KIT-related conditions. An algorithm developed to predict the effect of missense changes on protein structure and function (PolyPhen-2) suggests that this variant is likely to be disruptive. In summary, the available evidence is currently insufficient to determine the role of this variant in disease. Therefore, it has been classified as a Variant of Uncertain Significance.

NM_000222.3(KIT):c.1805A>C (p.Lys602Thr)

Gene: KIT (KIT proto-oncogene, receptor tyrosine kinase; plus strand). Cytogenetic location: 4q12.
Variant type: single nucleotide variant.
Coding change: c.1805A>C on transcript NM_000222.3 (MANE Select); coding-DNA position 1805, A replaced by C.
Protein change: p.Lys602Thr; replaces lysine 602 with threonine.
Molecular consequence: missense variant.
Genome position (GRCh38, 1-based): chr4:54,727,853, A>C. VCF-style: chr4-54727853-A-C. GRCh37 (hg19) VCF-style: chr4-55594019-A-C.
Other names: c.1793A>C, p.Lys598Thr (NM_001093772.2, NM_001385286.1); c.1808A>C, p.Lys603Thr (NM_001385284.1, NM_001385290.1); c.1805A>C, p.Lys602Thr (NM_001385285.1); c.1796A>C, p.Lys599Thr (NM_001385288.1, NM_001385292.1); short protein forms K598T, K599T, K603T, K602T.
Identifiers: ClinVar variation 4723686 (VCV004723686.1).